The following is an entry in ClinVar:

NM_001174084.2(POLL):c.1312C>T (p.Arg438Trp)

Gene: POLL (DNA polymerase lambda; minus strand). Cytogenetic location: 10q24.32.
Variant type: single nucleotide variant.
Coding change: c.1312C>T on transcript NM_001174084.2 (MANE Select); coding-DNA position 1312, C replaced by T.
Protein change: p.Arg438Trp; replaces arginine 438 with tryptophan.
Molecular consequence: missense variant. On other transcripts: non-coding transcript variant (1).
Genome position (GRCh38, 1-based): chr10:101,580,299, G>A on the plus strand (C>T on the coding strand, the complement: POLL is on the minus strand). VCF-style: chr10-101580299-G-A. GRCh37 (hg19) VCF-style: chr10-103340056-G-A.
Other names: c.1036C>T, p.Arg346Trp (NM_001174085.2); c.487C>T, p.Arg163Trp (NM_001308382.2); c.1312C>T, p.Arg438Trp (NM_013274.4); short protein forms R163W, R346W, R438W.
Identifiers: ClinVar variation 1248188 (VCV001248188.3), dbSNP rs3730477, ClinGen allele CA5656448.

ClinVar aggregate classification (germline): Benign. Review status: criteria provided, multiple submitters, no conflicts (2 of 4 stars). 2 submissions from 2 submitters: Benign (2). Last evaluated 2021-05-04.

Allele frequency attached by ClinVar (database versions not stated): 1000 Genomes Project 30x 0.09931; 1000 Genomes Project 0.09984; TOPMed 0.15593; gnomAD 0.16006 and 0.16265; gnomAD exomes 0.16759 and 0.20059; ExAC 0.16782; ESP Exome Variant Server 0.17615.

Submissions (2):

GeneDx
Classification: Benign. Last evaluated: 2021-05-04. Review status: criteria provided, single submitter. Criteria: GeneDx Variant Classification Process June 2021. Collection method: clinical testing. Allele origin: germline. Affected: yes.
Comment: This variant is associated with the following publications: (PMID: 19806195, 20693240)

Breakthrough Genomics
Classification: Benign. Review status: criteria provided, single submitter. Criteria: ACMG Guidelines, 2015. Collection method: not provided. Allele origin: germline. Inheritance: Unknown mechanism. Affected: yes.